The following is an entry in ClinVar:

ClinVar aggregate classification (germline): Pathogenic (1 of 4 stars; one submission).

Conditions:
Inborn genetic diseases. Identifiers: MedGen C0950123, MeSH D030342.

Submission:

Ambry Genetics
Classification: Pathogenic for Inborn genetic diseases. Last evaluated: 2025-03-19. Review status: criteria provided, single submitter. Criteria: Ambry Variant Classification Scheme 2023. Collection method: clinical testing. Allele origin: germline.
Comment: The c.247G>T (p.E83*) alteration, located in exon 3 (coding exon 2) of the SRRM2 gene, consists of a G to T substitution at nucleotide position 247. This changes the amino acid from a glutamic acid (E) to a stop codon at amino acid position 83. This alteration is expected to result in loss of function by premature protein truncation or nonsense-mediated mRNA decay. This variant was not reported in population-based cohorts in the Genome Aggregation Database (gnomAD). Based on the available evidence, this alteration is classified as pathogenic.

NM_016333.4(SRRM2):c.247G>T (p.Glu83Ter)

Gene: SRRM2 (serine/arginine repetitive matrix 2; plus strand). Cytogenetic location: 16p13.3.
Variant type: single nucleotide variant.
Coding change: c.247G>T on transcript NM_016333.4 (MANE Select); coding-DNA position 247, G replaced by T.
Protein change: p.Glu83Ter; replaces glutamic acid 83 with a stop codon.
Molecular consequence: nonsense.
Genome position (GRCh38, 1-based): chr16:2,757,476, G>T. VCF-style: chr16-2757476-G-T. GRCh37 (hg19) VCF-style: chr16-2807477-G-T.
Other names: short protein forms E83*.
Identifiers: ClinVar variation 3962254 (VCV003962254.1).
Genomic context (GRCh38, chr16:2,757,476, plus strand): 5'-CTGGGACTGGGGAAAGTGTCCTGTCGAGCTTAACCCTGAAGGGATTTGTTCTTCAGGTAC[G>T]AGGAACAGCAAATTCAGGAAAAAGTGGCGACCTTTCGACTCATGTTGCTGGAGAAGGATG-3'